The following is an entry in ClinVar:

ClinVar aggregate classification (germline): Conflicting classifications of pathogenicity. Review status: criteria provided, conflicting classifications (1 of 4 stars). 5 submissions from 5 submitters: Uncertain significance (1); Benign (1); Likely benign (3). Last evaluated 2026-01-04.

Conditions:
VCAN-related disorder. Also called: VCAN-related condition.
Inborn genetic diseases. Identifiers: MedGen C0950123, MeSH D030342.
Vitreoretinopathy. Also called: Vitreoretinal degeneration. Identifiers: MedGen C0344290, MONDO:0020248, HP:0007773.

Allele frequency attached by ClinVar (database versions not stated): gnomAD exomes 0.00009; ExAC 0.00011; gnomAD 0.00036 and 0.00038; TOPMed 0.00046; ESP Exome Variant Server 0.00062.
gnomAD v4.1: 95 of 1,613,802 alleles (0.0059%); highest among the groups gnomAD compares: African/African-American, 0.12%; no homozygotes.

Submissions (5):

Labcorp Genetics (formerly Invitae), Labcorp
Classification: Likely benign. Last evaluated: 2026-01-04. Review status: criteria provided, single submitter. Criteria: Invitae Variant Classification Sherloc (09022015). Collection method: clinical testing. Allele origin: germline.

PreventionGenetics, part of Exact Sciences
Classification: Likely benign for VCAN-related condition. Last evaluated: 2025-09-02. Review status: criteria provided, single submitter. Criteria: ACMG Guidelines, 2015. Collection method: clinical testing. Allele origin: germline.
Comment: This variant is classified as likely benign based on ACMG/AMP sequence variant interpretation guidelines (Richards et al. 2015 PMID: 25741868, with internal and published modifications).

Ambry Genetics
Classification: Uncertain significance for Inborn genetic diseases. Last evaluated: 2024-07-14. Review status: criteria provided, single submitter. Criteria: Ambry Variant Classification Scheme 2023. Collection method: clinical testing. Allele origin: germline.

Blueprint Genetics
Classification: Likely benign. Last evaluated: 2024-03-05. Review status: criteria provided, single submitter. Criteria: ACMG Guidelines, 2015. Collection method: clinical testing. Allele origin: germline.

Illumina Laboratory Services, Illumina
Classification: Benign for Vitreoretinopathy. Last evaluated: 2018-01-13. Review status: criteria provided, single submitter. Criteria: ICSL Variant Classification Criteria 13 December 2019. Collection method: clinical testing. Allele origin: germline.
Comment: This variant was observed in the ICSL laboratory as part of a predisposition screen in an ostensibly healthy population. It had not been previously curated by ICSL or reported in the Human Gene Mutation Database (HGMD: prior to June 1st, 2018), and was therefore a candidate for classification through an automated scoring system. Utilizing variant allele frequency, disease prevalence and penetrance estimates, and inheritance mode, an automated score was calculated to assess if this variant is too frequent to cause the disease. Based on the score and internal cut-off values, a variant classified as benign is not then subjected to further curation. The score for this variant resulted in a classification of benign for this disease.

NM_004385.5(VCAN):c.7480G>C (p.Glu2494Gln)

Genes: VCAN (versican; plus strand), VCAN-AS1 (VCAN antisense RNA 1; minus strand). Cytogenetic location: 5q14.3.
Variant type: single nucleotide variant.
Coding change: c.7480G>C on transcript NM_004385.5 (MANE Select); coding-DNA position 7480, G replaced by C.
Protein change: p.Glu2494Gln; replaces glutamic acid 2494 with glutamine.
Molecular consequence: missense variant. On other transcripts: intron variant (2).
Genome position (GRCh38, 1-based): chr5:83,540,483, G>C. VCF-style: chr5-83540483-G-C. GRCh37 (hg19) VCF-style: chr5-82836302-G-C.
Other names: c.4519G>C, p.Glu1507Gln (NM_001164097.2); c.4004-5054G>C (NM_001164098.2); c.1043-5054G>C (NM_001126336.3); short protein forms E2494Q, E1507Q.
Identifiers: ClinVar variation 354441 (VCV000354441.17), dbSNP rs147255921, ClinGen allele CA3333643.